The following is an entry in ClinVar:

NM_000051.4(ATM):c.1914A>T (p.Lys638Asn)

Gene: ATM (ATM serine/threonine kinase; plus strand). Cytogenetic location: 11q22.3.
Variant type: single nucleotide variant.
Coding change: c.1914A>T on transcript NM_000051.4 (MANE Select); coding-DNA position 1914, A replaced by T.
Protein change: p.Lys638Asn; replaces lysine 638 with asparagine.
Molecular consequence: missense variant.
Genome position (GRCh38, 1-based): chr11:108,253,829, A>T. VCF-style: chr11-108253829-A-T. GRCh37 (hg19) VCF-style: chr11-108124556-A-T.
Other names: c.1914A>T, p.Lys638Asn (NM_001351834.2); short protein forms K638N.
Identifiers: ClinVar variation 1782546 (VCV001782546.2), dbSNP rs587781753, ClinGen allele CA382536393.

ClinVar aggregate classification (germline): Uncertain significance (1 of 4 stars; one submission).

Conditions:
Hereditary cancer-predisposing syndrome. Also called: Neoplastic Syndromes, Hereditary; Tumor predisposition; Hereditary Cancer Syndrome; Hereditary neoplastic syndrome. Identifiers: Orphanet 140162, MedGen C0027672, MeSH D009386, MONDO:0015356.

gnomAD v4.1: 1 of 1,613,602 alleles (0.000062%); no homozygotes.

Submission:

Ambry Genetics
Classification: Uncertain significance for Hereditary cancer-predisposing syndrome. Last evaluated: 2022-09-07. Review status: criteria provided, single submitter. Criteria: Ambry Variant Classification Scheme 2023. Collection method: clinical testing. Allele origin: germline.
Comment: The p.K638N variant (also known as c.1914A>T), located in coding exon 12 of the ATM gene, results from an A to T substitution at nucleotide position 1914. The lysine at codon 638 is replaced by asparagine, an amino acid with similar properties. This amino acid position is not well conserved in available vertebrate species. In addition, this alteration is predicted to be tolerated by in silico analysis. Since supporting evidence is limited at this time, the clinical significance of this alteration remains unclear.